The following is an entry in ClinVar:

ClinVar aggregate classification (germline): Uncertain significance (1 of 4 stars; one submission).

Conditions:
Hereditary cancer-predisposing syndrome. Also called: Hereditary Cancer Syndrome; Neoplastic Syndromes, Hereditary; Tumor predisposition; Hereditary neoplastic syndrome. Identifiers: Orphanet 140162, MedGen C0027672, MeSH D009386, MONDO:0015356.

Allele frequency attached by ClinVar (database versions not stated): gnomAD exomes below 0.00001.
gnomAD v4.1: 1 of 1,614,118 alleles (0.000062%); highest among the groups gnomAD compares: Admixed American, 0.0017%; no homozygotes.

Submission:

Ambry Genetics
Classification: Uncertain significance for Hereditary cancer-predisposing syndrome. Last evaluated: 2022-04-02. Review status: criteria provided, single submitter. Criteria: Ambry Variant Classification Scheme 2023. Collection method: clinical testing. Allele origin: germline.
Comment: The p.P163L variant (also known as c.488C>T), located in coding exon 1 of the GREM1 gene, results from a C to T substitution at nucleotide position 488. The proline at codon 163 is replaced by leucine, an amino acid with similar properties. This amino acid position is conserved. In addition, the in silico prediction for this alteration is inconclusive. Since supporting evidence is limited at this time, the clinical significance of this alteration remains unclear.

NM_013372.7(GREM1):c.488C>T (p.Pro163Leu)

Gene: GREM1 (gremlin 1, DAN family BMP antagonist; plus strand). Cytogenetic location: 15q13.3.
Variant type: single nucleotide variant.
Coding change: c.488C>T on transcript NM_013372.7 (MANE Select); coding-DNA position 488, C replaced by T.
Protein change: p.Pro163Leu; replaces proline 163 with leucine.
Molecular consequence: missense variant.
Genome position (GRCh38, 1-based): chr15:32,731,178, C>T. VCF-style: chr15-32731178-C-T. GRCh37 (hg19) VCF-style: chr15-33023379-C-T.
Other names: c.278C>T, p.Pro93Leu (NM_001191322.2); c.365C>T, p.Pro122Leu (NM_001191323.2); c.488C>T, p.Pro163Leu (NM_001368719.1); short protein forms P163L, P122L, P93L.
Identifiers: ClinVar variation 1743848 (VCV001743848.2), dbSNP rs1446800680, ClinGen allele CA391558070.